The following is an entry in ClinVar:

NM_001614.5(ACTG1):c.985-40del

Gene: ACTG1 (actin gamma 1; minus strand). Cytogenetic location: 17q25.3.
Variant type: Deletion.
Coding change: c.985-40del on transcript NM_001614.5 (MANE Select); 40 bases into the intron before coding-DNA position 985, one base deleted (G; older notation c.985-40delG).
Molecular consequence: intron variant.
Genome position (GRCh38, 1-based): chr17:81,510,873, C deleted on the plus strand (G on the coding strand, the reverse complement: ACTG1 is on the minus strand); the first of 6 consecutive C bases (chr17:81,510,873-81,510,878); deleting any one gives the same sequence. VCF-style (leftmost placement, unchanged base first): chr17-81510872-GC-G. GRCh37 (hg19) VCF-style: chr17-79477898-GC-G.
Other names: c.985-40del (NM_001199954.3); c.985-40delG (NM_001614.3).
Identifiers: ClinVar variation 561394 (VCV000561394.4), dbSNP rs59886367, ClinGen allele CA8835859.

ClinVar aggregate classification (germline): Benign. Review status: criteria provided, multiple submitters, no conflicts (2 of 4 stars). 3 submissions from 2 submitters: Benign (3). Last evaluated 2021-07-14.

Conditions:
Baraitser-winter syndrome 2. Identifiers: Orphanet 2995, MedGen C3281235, MONDO:0013812, OMIM 614583.
Autosomal dominant nonsyndromic hearing loss 20. Identifiers: Orphanet 90635, MedGen C1858172, MONDO:0011480, OMIM 604717.

Submissions (3):

Genome-Nilou Lab
Classification: Benign for Baraitser-winter syndrome 2. Last evaluated: 2021-07-14. Review status: criteria provided, single submitter. Criteria: ACMG Guidelines, 2015. Collection method: clinical testing. Allele origin: germline. Affected: no.

Genome-Nilou Lab
Classification: Benign for Autosomal dominant nonsyndromic hearing loss 20. Last evaluated: 2021-07-14. Review status: criteria provided, single submitter. Criteria: ACMG Guidelines, 2015. Collection method: clinical testing. Allele origin: germline. Affected: no.

GeneDx
Classification: Benign. Last evaluated: 2018-06-14. Review status: criteria provided, single submitter. Criteria: GeneDx Variant Classification (06012015). Collection method: clinical testing. Allele origin: germline. Affected: yes.
Comment: This variant is considered likely benign or benign based on one or more of the following criteria: it is a conservative change, it occurs at a poorly conserved position in the protein, it is predicted to be benign by multiple in silico algorithms, and/or has population frequency not consistent with disease.